The following is an entry in ClinVar:

NM_001447.3(FAT2):c.5420C>T (p.Pro1807Leu)

Genes: SLC36A1 (solute carrier family 36 member 1; plus strand), FAT2 (FAT atypical cadherin 2; minus strand). Cytogenetic location: 5q33.1.
Variant type: single nucleotide variant.
Coding change: c.5420C>T on transcript NM_001447.3 (MANE Select); coding-DNA position 5420, C replaced by T.
Protein change: p.Pro1807Leu; replaces proline 1807 with leucine.
Molecular consequence: missense variant.
Genome position (GRCh38, 1-based): chr5:151,545,707, G>A on the plus strand (C>T on the coding strand, the complement: FAT2 is on the minus strand). VCF-style: chr5-151545707-G-A. GRCh37 (hg19) VCF-style: chr5-150925268-G-A.
Other names: short protein forms P1807L.
Identifiers: ClinVar variation 2042272 (VCV002042272.6), dbSNP rs377734391, ClinGen allele CA3521292.

ClinVar aggregate classification (germline): Uncertain significance. Review status: criteria provided, multiple submitters, no conflicts (2 of 4 stars). 2 submissions from 2 submitters: Uncertain significance (2). Last evaluated 2024-06-29.

Allele frequency attached by ClinVar (database versions not stated): ExAC 0.00008; ESP Exome Variant Server 0.00015.
gnomAD v4.1: 261 of 1,613,948 alleles (0.016%); highest among the groups gnomAD compares: Admixed American, 0.028%; 1 homozygote.

Submissions (2):

Labcorp Genetics (formerly Invitae), Labcorp
Classification: Uncertain significance. Last evaluated: 2024-06-29. Review status: criteria provided, single submitter. Criteria: Invitae Variant Classification Sherloc (09022015). Collection method: clinical testing. Allele origin: germline.
Comment: This sequence change replaces proline, which is neutral and non-polar, with leucine, which is neutral and non-polar, at codon 1807 of the FAT2 protein (p.Pro1807Leu). This variant is present in population databases (rs377734391, gnomAD 0.03%). This variant has not been reported in the literature in individuals affected with FAT2-related conditions. ClinVar contains an entry for this variant (Variation ID: 2042272). An algorithm developed to predict the effect of missense changes on protein structure and function (PolyPhen-2) suggests that this variant is likely to be disruptive. In summary, the available evidence is currently insufficient to determine the role of this variant in disease. Therefore, it has been classified as a Variant of Uncertain Significance.

Ambry Genetics
Classification: Uncertain significance. Last evaluated: 2024-06-25. Review status: criteria provided, single submitter. Criteria: Ambry Variant Classification Scheme 2023. Collection method: clinical testing. Allele origin: germline.